The following is an entry in ClinVar:

ClinVar aggregate classification (germline): Uncertain significance (1 of 4 stars; one submission).

Submission:

Labcorp Genetics (formerly Invitae), Labcorp
Classification: Uncertain significance. Last evaluated: 2024-06-03. Review status: criteria provided, single submitter. Criteria: Invitae Variant Classification Sherloc (09022015). Collection method: clinical testing. Allele origin: germline.
Comment: This sequence change replaces proline, which is neutral and non-polar, with leucine, which is neutral and non-polar, at codon 404 of the PRKCSH protein (p.Pro404Leu). This variant is not present in population databases (gnomAD no frequency). This variant has not been reported in the literature in individuals affected with PRKCSH-related conditions. An algorithm developed to predict the effect of missense changes on protein structure and function (PolyPhen-2) suggests that this variant is likely to be disruptive. In summary, the available evidence is currently insufficient to determine the role of this variant in disease. Therefore, it has been classified as a Variant of Uncertain Significance.

NM_001289104.2(PRKCSH):c.1232C>T (p.Pro411Leu)

Gene: PRKCSH (PRKCSH beta subunit of glucosidase II; plus strand). Cytogenetic location: 19p13.2.
Variant type: single nucleotide variant.
Coding change: c.1232C>T on transcript NM_001289104.2 (MANE Select); coding-DNA position 1232, C replaced by T.
Protein change: p.Pro411Leu; replaces proline 411 with leucine.
Molecular consequence: missense variant.
Genome position (GRCh38, 1-based): chr19:11,448,575, C>T. VCF-style: chr19-11448575-C-T. GRCh37 (hg19) VCF-style: chr19-11559390-C-T.
Other names: c.1211C>T, p.Pro404Leu (NM_001379608.1, NM_002743.3); c.1202C>T, p.Pro401Leu (NM_001001329.3, NM_001289102.2, NM_001379609.1); c.1232C>T, p.Pro411Leu (NM_001289103.2); short protein forms P401L, P411L, P404L.
Identifiers: ClinVar variation 2820181 (VCV002820181.3), dbSNP rs2512541540, ClinGen allele CA404136653.